The following is an entry in ClinVar:

ClinVar aggregate classification (germline): Benign/Likely benign. Review status: criteria provided, multiple submitters, no conflicts (2 of 4 stars). 3 submissions from 3 submitters: Benign (1); Likely benign (2). Last evaluated 2025-12-22.

Conditions:
Tuberous sclerosis syndrome (TSC). Also called: Tuberous Sclerosis Complex; Tuberous sclerosis. Identifiers: Orphanet 805, MedGen C0041341, MONDO:0001734.
Tuberous sclerosis 2 (TSC2). Identifiers: Orphanet 805, MedGen C1860707, MONDO:0013199, OMIM 613254.

gnomAD v4.1: 4 of 1,613,038 alleles (0.00025%); highest among the groups gnomAD compares: South Asian, 0.0033%; no homozygotes.

Submissions (3):

Labcorp Genetics (formerly Invitae), Labcorp
Classification: Likely benign for Tuberous sclerosis 2. Last evaluated: 2025-12-22. Review status: criteria provided, single submitter. Criteria: Invitae Variant Classification Sherloc (09022015). Collection method: clinical testing. Allele origin: germline.

Color Diagnostics, LLC DBA Color Health
Classification: Benign for Tuberous sclerosis syndrome. Last evaluated: 2025-07-23. Review status: criteria provided, single submitter. Criteria: ACMG Guidelines, 2015. Collection method: clinical testing. Allele origin: germline.

Myriad Genetics, Inc.
Classification: Likely benign for Tuberous sclerosis 2. Last evaluated: 2025-06-06. Review status: criteria provided, single submitter. Criteria: Myriad Autosomal Dominant, Autosomal Recessive and X-Linked Classification Criteria (2023). Collection method: clinical testing. Allele origin: unknown.
Comment: This variant is considered likely benign. This variant is intronic and is not expected to impact mRNA splicing.

NM_000548.5(TSC2):c.5161-8G>C

Gene: TSC2 (TSC complex subunit 2; plus strand). Cytogenetic location: 16p13.3.
Variant type: single nucleotide variant.
Coding change: c.5161-8G>C on transcript NM_000548.5 (MANE Select); 8 bases into the intron before coding-DNA position 5161, G replaced by C.
Molecular consequence: intron variant.
Genome position (GRCh38, 1-based): chr16:2,088,219, G>C. VCF-style: chr16-2088219-G-C. GRCh37 (hg19) VCF-style: chr16-2138220-G-C.
Other names: c.5092-8G>C (NM_001114382.3); c.5032-8G>C (NM_021055.3); c.5032-20G>C (NM_001370405.1); c.4963-8G>C (NM_001363528.2); c.5029-8G>C (NM_001370404.1); c.4960-8G>C (NM_001077183.3); c.4852-8G>C (NM_001318827.2); c.4429-8G>C (NM_001318831.2); and 2 more.
Identifiers: ClinVar variation 1530580 (VCV001530580.9), dbSNP rs374674097, ClinGen allele CA054293.